The following is an entry in ClinVar:

NM_000092.5(COL4A4):c.1308dup (p.Lys437fs)

Gene: COL4A4 (collagen type IV alpha 4 chain; minus strand). Cytogenetic location: 2q36.3.
Variant type: Duplication.
Coding change: c.1308dup on transcript NM_000092.5 (MANE Select); coding-DNA position 1308, one base duplicated (G; older notation c.1308dupG).
Protein change: p.Lys437fs; shifts the reading frame from lysine 437.
Molecular consequence: frameshift variant.
Genome position (GRCh38, 1-based): chr2:227,094,186, C duplicated on the plus strand (G on the coding strand, the reverse complement: COL4A4 is on the minus strand); the first of 3 consecutive C bases (chr2:227,094,186-227,094,188); duplicating any one gives the same sequence. VCF-style (leftmost placement, unchanged base first): chr2-227094185-T-TC. GRCh37 (hg19) VCF-style: chr2-227958901-T-TC.
Other names: p.(Lys437Glufs*25); short protein forms K437fs.
Identifiers: ClinVar variation 3585889 (VCV003585889.2).

ClinVar aggregate classification (germline): Pathogenic/Likely pathogenic. Review status: criteria provided, multiple submitters, no conflicts (2 of 4 stars). 2 submissions from 2 submitters: Pathogenic (1); Likely pathogenic (1). Last evaluated 2026-04-15.

Conditions:
Autosomal recessive Alport syndrome (ATS2). Also called: COL4A4 Alport Syndrome and Thin Basement Membrane Nephropathy; ALPORT SYNDROME 2, AUTOSOMAL RECESSIVE; Alport syndrome type 2; COL4A3-Related Nephropathy. Identifiers: Orphanet 63, Orphanet 88919, MedGen C4746745, MONDO:0008762, OMIM 203780.
Hematuria, benign familial, 1 (BFH1). Also called: THIN MEMBRANE NEPHROPATHY. Identifiers: MedGen CN376803, MONDO:0007709, OMIM 141200.

Submissions (2):

Centre de Génétique Humaine, Institut de Pathologie Et de Génétique
Classification: Pathogenic for Hematuria, benign familial, 1. Last evaluated: 2026-04-15. Review status: criteria provided, single submitter. Criteria: ACMG Guidelines, 2015. Collection method: clinical testing. Allele origin: germline. Inheritance: Autosomal dominant inheritance. Affected: yes. Observed: 1 variant allele, 1 heterozygote. Segregation with disease not observed.
Comment: This 1pb duplication is a frameshift variant predicted to result in protein truncation or nonsense mediated decay in a gene for which loss-of-function is a known mechanism of disease (PVS1). This variant is rare: absent in gnomAD v4.1.0 database (PM2).

Fulgent Genetics
Classification: Likely pathogenic for Hematuria, benign familial, 1; Autosomal recessive Alport syndrome. Last evaluated: 2024-03-27. Review status: criteria provided, single submitter. Criteria: ACMG Guidelines, 2015. Collection method: clinical testing. Allele origin: germline.